The following is an entry in ClinVar:

ClinVar aggregate classification (germline): Uncertain significance. Review status: criteria provided, multiple submitters, no conflicts (2 of 4 stars). 2 submissions from 2 submitters: Uncertain significance (2). Last evaluated 2024-11-22.

Conditions:
Autosomal recessive severe congenital neutropenia due to G6PC3 deficiency. Also called: NEUTROPENIA, SEVERE CONGENITAL, 4, AUTOSOMAL RECESSIVE; G6PC3 Deficiency. Identifiers: Orphanet 331176, MedGen C2751630, MONDO:0012930, OMIM 612541.
Inborn genetic diseases. Identifiers: MedGen C0950123, MeSH D030342.

Allele frequency attached by ClinVar (database versions not stated): gnomAD 0.00003; gnomAD exomes 0.00001; TOPMed 0.00003; ESP Exome Variant Server 0.00008.

Submissions (2):

Ambry Genetics
Classification: Uncertain significance for Inborn genetic diseases. Last evaluated: 2024-11-22. Review status: criteria provided, single submitter. Criteria: Ambry Variant Classification Scheme 2023. Collection method: clinical testing. Allele origin: germline.
Comment: The p.M192T variant (also known as c.575T>C), located in coding exon 5 of the G6PC3 gene, results from a T to C substitution at nucleotide position 575. The methionine at codon 192 is replaced by threonine, an amino acid with similar properties. This amino acid position is conserved. In addition, this alteration is predicted to be tolerated by in silico analysis. Based on the available evidence, the clinical significance of this variant remains unclear.

Labcorp Genetics (formerly Invitae), Labcorp
Classification: Uncertain significance for Autosomal recessive severe congenital neutropenia due to G6PC3 deficiency. Last evaluated: 2022-01-11. Review status: criteria provided, single submitter. Criteria: Invitae Variant Classification Sherloc (09022015). Collection method: clinical testing. Allele origin: germline.
Comment: This sequence change replaces methionine, which is neutral and non-polar, with threonine, which is neutral and polar, at codon 192 of the G6PC3 protein (p.Met192Thr). This variant is present in population databases (rs150587425, gnomAD 0.01%). This variant has not been reported in the literature in individuals affected with G6PC3-related conditions. Algorithms developed to predict the effect of missense changes on protein structure and function output the following: SIFT: "Tolerated"; PolyPhen-2: "Benign"; Align-GVGD: "Class C0". The threonine amino acid residue is found in multiple mammalian species, which suggests that this missense change does not adversely affect protein function. In summary, the available evidence is currently insufficient to determine the role of this variant in disease. Therefore, it has been classified as a Variant of Uncertain Significance.

NM_138387.4(G6PC3):c.575T>C (p.Met192Thr)

Gene: G6PC3 (glucose-6-phosphatase catalytic subunit 3; plus strand). Cytogenetic location: 17q21.31.
Variant type: single nucleotide variant.
Coding change: c.575T>C on transcript NM_138387.4 (MANE Select); coding-DNA position 575, T replaced by C.
Protein change: p.Met192Thr; replaces methionine 192 with threonine.
Molecular consequence: missense variant. On other transcripts: synonymous variant (1).
Genome position (GRCh38, 1-based): chr17:44,075,349, T>C. VCF-style: chr17-44075349-T-C. GRCh37 (hg19) VCF-style: chr17-42152717-T-C.
Other names: c.456T>C, p.Tyr152= (NM_001319945.2); c.230T>C, p.Met77Thr (NM_001384165.1, NM_001384166.1, NM_001384167.1 and 1 more transcripts); short protein forms M192T, M77T.
Identifiers: ClinVar variation 2417316 (VCV002417316.5), dbSNP rs150587425, ClinGen allele CA290850657.
Genomic context (GRCh38, chr17:44,075,349, plus strand): 5'-GTTGTCACTCCACTCTCCTAGGCGCTGTCCTGGGCTGGCTGATGACTCCCCGAGTGCCTA[T>C]GGAGCGGGAGCTAAGCTTCTATGGGTTGACTGCACTGGCCCTCATGCTAGGCACCAGCCT-3'
Protein context (NP_612396.1, residues 182-202): LGWLMTPRVP[Met192Thr]ERELSFYGLT